The following is an entry in ClinVar:

ClinVar aggregate classification (germline): Benign/Likely benign. Review status: criteria provided, multiple submitters, no conflicts (2 of 4 stars). 4 submissions from 4 submitters: Benign (3); Likely benign (1). Last evaluated 2026-01-28.

Conditions:
RASopathy. Also called: rasopathies; Noonan spectrum disorder. Identifiers: Orphanet 536391, MedGen C5555857, MONDO:0021060.

Allele frequency attached by ClinVar (database versions not stated): TOPMed 0.00002; 1000 Genomes Project 30x 0.00016; 1000 Genomes Project 0.00020.
gnomAD v4.1: 21 of 1,606,022 alleles (0.0013%); highest among the groups gnomAD compares: East Asian, 0.042%; no homozygotes.

Submissions (4):

Labcorp Genetics (formerly Invitae), Labcorp
Classification: Benign for RASopathy. Last evaluated: 2026-01-28. Review status: criteria provided, single submitter. Criteria: Invitae Variant Classification Sherloc (09022015). Collection method: clinical testing. Allele origin: germline.

Blueprint Genetics
Classification: Likely benign. Last evaluated: 2020-11-27. Review status: criteria provided, single submitter. Criteria: ACMG Guidelines, 2015. Collection method: clinical testing. Allele origin: germline.

Women's Health and Genetics/Laboratory Corporation of America, LabCorp
Classification: Benign. Last evaluated: 2020-02-13. Review status: criteria provided, single submitter. Criteria: LabCorp Variant Classification Summary - May 2015. Collection method: clinical testing. Allele origin: germline.
Comment: Variant summary: MAP2K1 c.291+18A>T alters a non-conserved nucleotide located close to a canonical splice site and therefore could affect mRNA splicing, leading to a significantly altered protein sequence. 4/4 computational tools predict no significant impact on normal splicing. However, these predictions have yet to be confirmed by functional studies. The variant allele was found at a frequency of 6e-05 in 251074 control chromosomes, predominantly at a frequency of 0.00076 within the East Asian subpopulation in the gnomAD database. The observed variant frequency within East Asian control individuals in the gnomAD database is approximately 304 fold of the estimated maximal expected allele frequency for a pathogenic variant in MAP2K1 causing Noonan Syndrome and Related Conditions phenotype (2.5e-06), strongly suggesting that the variant is a benign polymorphism found primarily in populations of East Asian origin. To our knowledge, no occurrence of c.291+18A>T in individuals affected with Noonan Syndrome and Related Conditions and no experimental evidence demonstrating its impact on protein function have been reported. One clinical diagnostic laboratory has submitted clinical-significance assessments for this variant to ClinVar after 2014 without evidence for independent evaluation and classified the variant as benign. Based on the evidence outlined above, the variant was classified as benign.

GeneDx
Classification: Benign. Last evaluated: 2018-02-26. Review status: criteria provided, single submitter. Criteria: GeneDx Variant Classification (06012015). Collection method: clinical testing. Allele origin: germline. Affected: yes.
Comment: This variant is considered likely benign or benign based on one or more of the following criteria: it is a conservative change, it occurs at a poorly conserved position in the protein, it is predicted to be benign by multiple in silico algorithms, and/or has population frequency not consistent with disease.

NM_002755.4(MAP2K1):c.291+18A>T

Gene: MAP2K1 (mitogen-activated protein kinase kinase 1; plus strand). Cytogenetic location: 15q22.31.
Variant type: single nucleotide variant.
Coding change: c.291+18A>T on transcript NM_002755.4 (MANE Select); 18 bases into the intron after coding-DNA position 291, A replaced by T.
Molecular consequence: intron variant.
Genome position (GRCh38, 1-based): chr15:66,435,255, A>T. VCF-style: chr15-66435255-A-T. GRCh37 (hg19) VCF-style: chr15-66727593-A-T.
Identifiers: ClinVar variation 515007 (VCV000515007.6), dbSNP rs577549188, ClinGen allele CA7623890.